The following is an entry in ClinVar:

ClinVar aggregate classification (germline): Uncertain significance (1 of 4 stars; one submission).

Conditions:
Hereditary cancer-predisposing syndrome. Also called: Neoplastic Syndromes, Hereditary; Tumor predisposition; Hereditary Cancer Syndrome; Hereditary neoplastic syndrome. Identifiers: Orphanet 140162, MedGen C0027672, MeSH D009386, MONDO:0015356.

Submission:

Ambry Genetics
Classification: Uncertain significance for Hereditary cancer-predisposing syndrome. Last evaluated: 2025-10-20. Review status: criteria provided, single submitter. Criteria: Ambry Variant Classification Scheme 2023. Collection method: clinical testing. Allele origin: germline.
Comment: The p.S389N variant (also known as c.1166G>A), located in coding exon 9 of the BRCA1 gene, results from a G to A substitution at nucleotide position 1166. The serine at codon 389 is replaced by asparagine, an amino acid with highly similar properties. This amino acid position is not well conserved in available vertebrate species. In addition, the in silico prediction for this alteration is inconclusive. Based on the available evidence, the clinical significance of this variant remains unclear.

NM_007294.4(BRCA1):c.1166G>A (p.Ser389Asn)

Gene: BRCA1 (BRCA1 DNA repair associated; minus strand). Cytogenetic location: 17q21.31.
Variant type: single nucleotide variant.
Coding change: c.1166G>A on transcript NM_007294.4 (MANE Select); coding-DNA position 1166, G replaced by A.
Protein change: p.Ser389Asn; replaces serine 389 with asparagine.
Molecular consequence: missense variant. On other transcripts: intron variant (137).
Genome position (GRCh38, 1-based): chr17:43,094,365, C>T on the plus strand (G>A on the coding strand, the complement: BRCA1 is on the minus strand). VCF-style: chr17-43094365-C-T. GRCh37 (hg19) VCF-style: chr17-41246382-C-T.
Other names: c.664+379G>A (NM_001408436.1, NM_001408444.1, NM_001408438.1 and 12 more transcripts); c.787+379G>A (NM_001407980.1, NM_001407993.1, NM_001407976.1 and 19 more transcripts); c.643+379G>A (NM_001408464.1, NM_001408470.1, NM_001408468.1 and 3 more transcripts); c.523+379G>A (NM_001408498.1, NM_001408501.1, NM_001408500.1 and 3 more transcripts); c.646+379G>A (NM_001408467.1, NM_001408459.1, NM_001408458.1 and 11 more transcripts); c.583+379G>A (NM_001408475.1); c.709+379G>A (NM_001408412.1, NM_001408409.1, NM_001408414.1 and 2 more transcripts); c.785G>A, p.Ser262Asn (NM_001407959.1, NM_001407960.1, NM_001407963.1); and 40 more; short protein forms S221N, S262N, S300N, S301N, S318N, S386N, S388N, S278N.
Identifiers: ClinVar variation 4625266 (VCV004625266.1).